The following is an entry in ClinVar:

ClinVar aggregate classification (germline): Benign. Review status: criteria provided, multiple submitters, no conflicts (2 of 4 stars). 3 submissions from 3 submitters: Benign (2). 1 of the submissions does not count toward it. Last evaluated 2018-11-11.

Conditions:
EPOXIDE HYDROLASE 1 POLYMORPHISM. Also called: RECLASSIFIED - EPOXIDE HYDROLASE 1 POLYMORPHISM.

Allele frequency attached by ClinVar (database versions not stated): 1000 Genomes Project 0.21546; 1000 Genomes Project 30x 0.21814; gnomAD 0.22663; TOPMed 0.22870.
gnomAD v4.1: 323,959 of 1,613,876 alleles (20%); highest among the groups gnomAD compares: African/African-American, 34%; 34,207 homozygotes.

Submissions (3):

GeneDx
Classification: Benign. Last evaluated: 2018-11-11. Review status: criteria provided, single submitter. Criteria: GeneDx Variant Classification Process June 2021. Collection method: clinical testing. Allele origin: germline. Affected: yes.
Comment: This variant is associated with the following publications: (PMID: 25087612, 19307236, 15535985, 21183608, 20091863, 18571762, 19952982, 21445251, 22928041, 23451147, 12173035, 20157331)

Breakthrough Genomics
Classification: Benign. Review status: criteria provided, single submitter. Criteria: ACMG Guidelines, 2015. Collection method: not provided. Allele origin: germline. Inheritance: Unknown mechanism. Affected: yes.

OMIM
Classification: Benign for EPOXIDE HYDROLASE 1 POLYMORPHISM. Last evaluated: 2002-09-01. Review status: no assertion criteria provided. Collection method: literature only. Allele origin: germline. Not counted in ClinVar's aggregate classification.

Literature cited by the submitters: Laasanen, J., Romppanen, E.-L., Hiltunen, M., Helisalmi, S., Mannermaa, A., Punnonen, K., Heinonen, S. Two exonic single nucleotide polymorphisms in the microsomal epoxide hydrolase gene are jointly associated with preeclampsia. Europ. J. Hum. Genet. 10: 569-573, 2002. (cited by OMIM); Hamosh, A. Personal Communication. 2017. Baltimore, Md. (cited by OMIM).

NM_001136018.4(EPHX1):c.416A>G (p.His139Arg)

Gene: EPHX1 (epoxide hydrolase 1; plus strand). Cytogenetic location: 1q42.12.
Variant type: single nucleotide variant.
Coding change: c.416A>G on transcript NM_001136018.4 (MANE Select); coding-DNA position 416, A replaced by G.
Protein change: p.His139Arg; replaces histidine 139 with arginine.
Molecular consequence: missense variant. On other transcripts: non-coding transcript variant (3), intron variant (2).
Genome position (GRCh38, 1-based): chr1:225,838,705, A>G. VCF-style: chr1-225838705-A-G. GRCh37 (hg19) VCF-style: chr1-226026406-A-G.
Other names: c.416A>G, p.His139Arg (NM_000120.4, NM_001291163.2, NM_001378426.1 and 3 more transcripts); c.389A>G, p.His130Arg (NM_001378428.1); c.365-512A>G (NM_001378431.1); c.365-3661A>G (NM_001378432.1); short protein forms H139R, H130R.
Identifiers: ClinVar variation 16605 (VCV000016605.9), dbSNP rs2234922, ClinGen allele CA126708.